The following is an entry in ClinVar:

ClinVar aggregate classification (germline): Uncertain significance (1 of 4 stars; one submission).

Submission:

GeneDx
Classification: Uncertain significance. Last evaluated: 2026-03-10. Review status: criteria provided, single submitter. Criteria: GeneDx Variant Classification Process June 2021. Collection method: clinical testing. Allele origin: germline.
Comment: Not observed at significant frequency in large population cohorts (gnomAD); In-frame deletion of 1 amino acid(s) in a non-repeat region; In silico analysis supports a deleterious effect on protein structure/function; Has not been previously published as pathogenic or benign to our knowledge

NM_005120.3(MED12):c.2859CGT[1] (p.Val955del)

Gene: MED12 (mediator complex subunit 12; plus strand). Cytogenetic location: Xq13.1.
Variant type: Microsatellite.
Coding change: c.2859CGT[1] on transcript NM_005120.3 (MANE Select); one copy of the 3-base unit CGT starting at c.2859; the reference has two copies in a row; one copy, 3 bases deleted.
Protein change: p.Val955del; deletes valine 955.
Molecular consequence: inframe deletion.
Genome position (GRCh38, 1-based): chrX:71,127,348-71,127,350, CGT deleted; deleting any 3 consecutive bases within chrX:71,127,345-71,127,350 gives the same sequence; the position shown is the placement nearest the transcript's 3' end. VCF-style (leftmost placement, unchanged base first): chrX-71127344-GCGT-G. GRCh37 (hg19) VCF-style: chrX-70347194-GCGT-G.
Other names: short protein forms V955del.
Identifiers: ClinVar variation 5008801 (VCV005008801.1).